The following is an entry in ClinVar:

ClinVar aggregate classification (germline): Uncertain significance (1 of 4 stars; one submission).

Conditions:
2-aminoadipic 2-oxoadipic aciduria (AAKAD). Also called: Aminoadipic aciduria; ALPHA-AMINOADIPIC AND ALPHA-KETOADIPIC ACIDURIA. Identifiers: Orphanet 79154, MedGen C1859817, MONDO:0008774, OMIM 204750.

Allele frequency attached by ClinVar (database versions not stated): gnomAD 0.00001.
gnomAD v4.1: 5 of 1,611,722 alleles (0.00031%); highest among the groups gnomAD compares: African/African-American, 0.0013%; no homozygotes.

Submission:

Labcorp Genetics (formerly Invitae), Labcorp
Classification: Uncertain significance for 2-aminoadipic 2-oxoadipic aciduria. Last evaluated: 2022-09-23. Review status: criteria provided, single submitter. Criteria: Invitae Variant Classification Sherloc (09022015). Collection method: clinical testing. Allele origin: germline.
Comment: This sequence change replaces glutamine, which is neutral and polar, with histidine, which is basic and polar, at codon 329 of the DHTKD1 protein (p.Gln329His). This variant also falls at the last nucleotide of exon 5, which is part of the consensus splice site for this exon. This variant is not present in population databases (gnomAD no frequency). This variant has not been reported in the literature in individuals affected with DHTKD1-related conditions. Algorithms developed to predict the effect of missense changes on protein structure and function are either unavailable or do not agree on the potential impact of this missense change (SIFT: "Deleterious"; PolyPhen-2: "Possibly Damaging"; Align-GVGD: "Class C0"). Variants that disrupt the consensus splice site are a relatively common cause of aberrant splicing (PMID: 17576681, 9536098). Algorithms developed to predict the effect of sequence changes on RNA splicing suggest that this variant may disrupt the consensus splice site. In summary, the available evidence is currently insufficient to determine the role of this variant in disease. Therefore, it has been classified as a Variant of Uncertain Significance.

Literature cited by the submitters: PubMed 17576681; PubMed 9536098.

NM_018706.7(DHTKD1):c.987G>C (p.Gln329His)

Gene: DHTKD1 (dehydrogenase E1 and transketolase domain containing 1; plus strand). Cytogenetic location: 10p14.
Variant type: single nucleotide variant.
Coding change: c.987G>C on transcript NM_018706.7 (MANE Select); coding-DNA position 987, G replaced by C.
Protein change: p.Gln329His; replaces glutamine 329 with histidine.
Molecular consequence: missense variant.
Genome position (GRCh38, 1-based): chr10:12,089,255, G>C. VCF-style: chr10-12089255-G-C. GRCh37 (hg19) VCF-style: chr10-12131254-G-C.
Other names: short protein forms Q329H.
Identifiers: ClinVar variation 1984701 (VCV001984701.4), dbSNP rs1363866819, ClinGen allele CA376018920.